The following is an entry in ClinVar:

ClinVar aggregate classification (germline): Uncertain significance. Review status: criteria provided, multiple submitters, no conflicts (2 of 4 stars). 3 submissions from 3 submitters: Uncertain significance (2). 1 of the submissions does not count toward it. Last evaluated 2024-12-12.

Conditions:
Glycogen storage disease, type II (IOPD). Also called: Glucosidase acid-1,4-alpha deficiency; Glycogen storage disease type 2; Acid maltase deficiency disease; Aglucosidase alfa; Deficiency of alpha-glucosidase; Deficiency of lysosomal alpha-glucosidase. Identifiers: Orphanet 365, MedGen C0017921, MONDO:0009290, OMIM 232300.

gnomAD v4.1: 36 of 1,599,266 alleles (0.0023%); highest among the groups gnomAD compares: South Asian, 0.03%; no homozygotes.

Submissions (3):

Labcorp Genetics (formerly Invitae), Labcorp
Classification: Uncertain significance for Glycogen storage disease, type II. Last evaluated: 2024-12-12. Review status: criteria provided, single submitter. Criteria: Invitae Variant Classification Sherloc (09022015). Collection method: clinical testing. Allele origin: germline.
Comment: This sequence change replaces alanine, which is neutral and non-polar, with valine, which is neutral and non-polar, at codon 284 of the GAA protein (p.Ala284Val). This variant is present in population databases (rs147569830, gnomAD 0.01%). This variant has not been reported in the literature in individuals affected with GAA-related conditions. ClinVar contains an entry for this variant (Variation ID: 663928). Invitae Evidence Modeling of protein sequence and biophysical properties (such as structural, functional, and spatial information, amino acid conservation, physicochemical variation, residue mobility, and thermodynamic stability) has been performed for this missense variant. However, the output from this modeling did not meet the statistical confidence thresholds required to predict the impact of this variant on GAA protein function. In summary, the available evidence is currently insufficient to determine the role of this variant in disease. Therefore, it has been classified as a Variant of Uncertain Significance.

CeGaT Center for Human Genetics Tuebingen
Classification: Uncertain significance. Last evaluated: 2023-04-01. Review status: criteria provided, single submitter. Criteria: CeGaT Center For Human Genetics Tuebingen Variant Classification Criteria Version 2. Collection method: clinical testing. Allele origin: germline. Affected: yes. Observed: 1 variant allele.
Comment: GAA: PM2

Natera, Inc.
Classification: Uncertain significance for Glycogen storage disease type II. Last evaluated: 2020-10-21. Review status: no assertion criteria provided. Collection method: clinical testing. Allele origin: germline. Not counted in ClinVar's aggregate classification.

NM_000152.5(GAA):c.851C>T (p.Ala284Val)

Gene: GAA (alpha glucosidase; plus strand). Cytogenetic location: 17q25.3.
Variant type: single nucleotide variant.
Coding change: c.851C>T on transcript NM_000152.5 (MANE Select); coding-DNA position 851, C replaced by T.
Protein change: p.Ala284Val; replaces alanine 284 with valine.
Molecular consequence: missense variant.
Genome position (GRCh38, 1-based): chr17:80,107,715, C>T. VCF-style: chr17-80107715-C-T. GRCh37 (hg19) VCF-style: chr17-78081514-C-T.
Other names: c.851C>T (LRG_673t1); c.851C>T, p.Ala284Val (NM_001079803.3, NM_001079804.3); short protein forms A284V.
Identifiers: ClinVar variation 663928 (VCV000663928.33), dbSNP rs147569830, ClinGen allele CA8815029.
Genomic context (GRCh38, chr17:80,107,715, plus strand): 5'-TCAGTCCCCTGATGCTCAGCACCAGCTGGACCAGGATCACCCTGTGGAACCGGGACCTTG[C>T]GCCCACGGTACAGCGGCGGGCGGCGGGCGGGGGCACTGAGCTGGGGAGCGCAGGTGCTGA-3'
Protein context (NP_000143.2, residues 274-294): TRITLWNRDL[Ala284Val]PTPGANLYGS